The following is an entry in ClinVar:

NM_001942.4(DSG1):c.2009A>G (p.Gln670Arg)

Genes: DSG1 (desmoglein 1; plus strand), DSG1-AS1 (DSG1 antisense RNA 1; minus strand). Cytogenetic location: 18q12.1.
Variant type: single nucleotide variant.
Coding change: c.2009A>G on transcript NM_001942.4 (MANE Select); coding-DNA position 2009, A replaced by G.
Protein change: p.Gln670Arg; replaces glutamine 670 with arginine.
Molecular consequence: missense variant.
Genome position (GRCh38, 1-based): chr18:31,346,107, A>G. VCF-style: chr18-31346107-A-G. GRCh37 (hg19) VCF-style: chr18-28926070-A-G.
Other names: short protein forms Q670R.
Identifiers: ClinVar variation 2968602 (VCV002968602.3), dbSNP rs2510839817, ClinGen allele CA402118846.

ClinVar aggregate classification (germline): Uncertain significance (1 of 4 stars; one submission).

Submission:

Labcorp Genetics (formerly Invitae), Labcorp
Classification: Uncertain significance. Last evaluated: 2023-07-13. Review status: criteria provided, single submitter. Criteria: Invitae Variant Classification Sherloc (09022015). Collection method: clinical testing. Allele origin: germline.
Comment: In summary, the available evidence is currently insufficient to determine the role of this variant in disease. Therefore, it has been classified as a Variant of Uncertain Significance. Advanced modeling of protein sequence and biophysical properties (such as structural, functional, and spatial information, amino acid conservation, physicochemical variation, residue mobility, and thermodynamic stability) performed at Invitae indicates that this missense variant is not expected to disrupt DSG1 protein function. This variant has not been reported in the literature in individuals affected with DSG1-related conditions. This variant is not present in population databases (gnomAD no frequency). This sequence change replaces glutamine, which is neutral and polar, with arginine, which is basic and polar, at codon 670 of the DSG1 protein (p.Gln670Arg).